The following is an entry in ClinVar:

NM_003036.4(SKI):c.896G>C (p.Arg299Pro)

Gene: SKI (SKI proto-oncogene; plus strand). Cytogenetic location: 1p36.33.
Variant type: single nucleotide variant.
Coding change: c.896G>C on transcript NM_003036.4 (MANE Select); coding-DNA position 896, G replaced by C.
Protein change: p.Arg299Pro; replaces arginine 299 with proline.
Molecular consequence: missense variant.
Genome position (GRCh38, 1-based): chr1:2,229,662, G>C. VCF-style: chr1-2229662-G-C. GRCh37 (hg19) VCF-style: chr1-2161101-G-C.
Other names: short protein forms R299P.
Identifiers: ClinVar variation 1472036 (VCV001472036.8), dbSNP rs1482824984, ClinGen allele CA337956322.

ClinVar aggregate classification (germline): Uncertain significance (1 of 4 stars; one submission).

Conditions:
Shprintzen-Goldberg syndrome (SGS). Also called: Marfanoid disorder with craniosynostosis type 1; Marfanoid craniosynostosis syndrome; Shprintzen-Goldberg marfanoid syndrome; SHPRINTZEN-GOLDBERG CRANIOSYNOSTOSIS SYNDROME; CRANIOSYNOSTOSIS WITH ARACHNODACTYLY AND ABDOMINAL HERNIAS. Identifiers: Orphanet 2462, MedGen C1321551, MONDO:0008426, OMIM 182212.

Submission:

Labcorp Genetics (formerly Invitae), Labcorp
Classification: Uncertain significance for Shprintzen-Goldberg syndrome. Last evaluated: 2021-04-13. Review status: criteria provided, single submitter. Criteria: Invitae Variant Classification Sherloc (09022015). Collection method: clinical testing. Allele origin: germline.
Comment: In summary, the available evidence is currently insufficient to determine the role of this variant in disease. Therefore, it has been classified as a Variant of Uncertain Significance. Algorithms developed to predict the effect of missense changes on protein structure and function are either unavailable or do not agree on the potential impact of this missense change (SIFT: "Deleterious"; PolyPhen-2: "Probably Damaging"; Align-GVGD: "Class C0"). This variant has not been reported in the literature in individuals with SKI-related conditions. This variant is not present in population databases (ExAC no frequency). This sequence change replaces arginine with proline at codon 299 of the SKI protein (p.Arg299Pro). The arginine residue is moderately conserved and there is a moderate physicochemical difference between arginine and proline.